The following is an entry in ClinVar:

NM_006593.4(TBR1):c.128C>T (p.Thr43Ile)

Gene: TBR1 (T-box brain transcription factor 1; plus strand). Cytogenetic location: 2q24.2.
Variant type: single nucleotide variant.
Coding change: c.128C>T on transcript NM_006593.4 (MANE Select); coding-DNA position 128, C replaced by T.
Protein change: p.Thr43Ile; replaces threonine 43 with isoleucine.
Molecular consequence: missense variant.
Genome position (GRCh38, 1-based): chr2:161,416,538, C>T. VCF-style: chr2-161416538-C-T. GRCh37 (hg19) VCF-style: chr2-162273049-C-T.
Other names: short protein forms T43I.
Identifiers: ClinVar variation 3371845 (VCV003371845.1).

ClinVar aggregate classification (germline): Uncertain significance (1 of 4 stars; one submission).

Submission:

GeneDx
Classification: Uncertain significance. Last evaluated: 2024-03-29. Review status: criteria provided, single submitter. Criteria: GeneDx Variant Classification Process June 2021. Collection method: clinical testing. Allele origin: germline. Affected: yes.
Comment: Not observed at significant frequency in large population cohorts (gnomAD); In silico analysis supports that this missense variant does not alter protein structure/function; Has not been previously published as pathogenic or benign to our knowledge